The following is an entry in ClinVar:

ClinVar aggregate classification (germline): Likely benign (1 of 4 stars; one submission).

Submission:

CeGaT Center for Human Genetics Tuebingen
Classification: Likely benign. Last evaluated: 2023-03-01. Review status: criteria provided, single submitter. Criteria: CeGaT Center For Human Genetics Tuebingen Variant Classification Criteria Version 2. Collection method: clinical testing. Allele origin: germline. Affected: yes. Observed: 1 variant allele.
Comment: USP51: PM2:Supporting, BP4, BP7

NM_201286.4(USP51):c.141G>C (p.Ala47=)

Gene: USP51 (ubiquitin specific peptidase 51; minus strand). Cytogenetic location: Xp11.21.
Variant type: single nucleotide variant.
Coding change: c.141G>C on transcript NM_201286.4 (MANE Select); coding-DNA position 141, G replaced by C.
Protein change: p.Ala47=; no amino-acid change (alanine 47 retained).
Molecular consequence: synonymous variant.
Genome position (GRCh38, 1-based): chrX:55,488,799, C>G on the plus strand (G>C on the coding strand, the complement: USP51 is on the minus strand). VCF-style: chrX-55488799-C-G. GRCh37 (hg19) VCF-style: chrX-55515232-C-G.
Identifiers: ClinVar variation 2660699 (VCV002660699.24), dbSNP rs2519368742, ClinGen allele CA516699459.